The following is an entry in ClinVar:

NM_006939.4(SOS2):c.3619_3620delinsGT (p.Pro1207Val)

Gene: SOS2 (SOS Ras/Rho guanine nucleotide exchange factor 2; minus strand). Cytogenetic location: 14q21.3.
Variant type: Indel.
Coding change: c.3619_3620delinsGT on transcript NM_006939.4 (MANE Select); coding-DNA positions 3619 to 3620, CC replaced by GT.
Protein change: p.Pro1207Val; replaces proline 1207 with valine.
Molecular consequence: missense variant.
Genome position (GRCh38, 1-based): chr14:50,118,723-50,118,724, GG replaced by AC on the plus strand (CC replaced by GT on the coding strand, the reverse complement: SOS2 is on the minus strand). VCF-style: chr14-50118723-GG-AC. GRCh37 (hg19) VCF-style: chr14-50585441-GG-AC.
Other names: c.3520_3521delinsGT, p.Pro1174Val (NM_001411020.1); short protein forms P1174V, P1207V.
Identifiers: ClinVar variation 1716694 (VCV001716694.6), dbSNP rs2502758362, ClinGen allele CA2580088186.

ClinVar aggregate classification (germline): Uncertain significance (1 of 4 stars; one submission).

Conditions:
Noonan syndrome 9 (NS9). Identifiers: Orphanet 648, MedGen C4225282, MONDO:0014691, OMIM 616559.

Submission:

Labcorp Genetics (formerly Invitae), Labcorp
Classification: Uncertain significance for Noonan syndrome 9. Last evaluated: 2025-05-27. Review status: criteria provided, single submitter. Criteria: Invitae Variant Classification Sherloc (09022015). Collection method: clinical testing. Allele origin: germline.
Comment: This sequence change replaces proline, which is neutral and non-polar, with valine, which is neutral and non-polar, at codon 1207 of the SOS2 protein (p.Pro1207Val). Information on the frequency of this variant in the gnomAD database is not available, as this variant may be reported differently in the database. This variant has not been reported in the literature in individuals affected with SOS2-related conditions. ClinVar contains an entry for this variant (Variation ID: 1716694). An algorithm developed to predict the effect of missense changes on protein structure and function (PolyPhen-2) suggests that this variant is likely to be tolerated. In summary, the available evidence is currently insufficient to determine the role of this variant in disease. Therefore, it has been classified as a Variant of Uncertain Significance.